The following is an entry in ClinVar:

ClinVar aggregate classification (germline): Pathogenic (1 of 4 stars; one submission).

Conditions:
Argininosuccinate lyase deficiency. Also called: ARGININOSUCCINIC ACID LYASE DEFICIENCY; ASL DEFICIENCY; Argininosuccinic aciduria. Identifiers: Orphanet 23, MedGen C0268547, MONDO:0008815, OMIM 207900, HP:0025630.

Submission:

Labcorp Genetics (formerly Invitae), Labcorp
Classification: Pathogenic for Argininosuccinate lyase deficiency. Last evaluated: 2023-12-14. Review status: criteria provided, single submitter. Criteria: Invitae Variant Classification Sherloc (09022015). Collection method: clinical testing. Allele origin: unknown.
Comment: This variant is a gross deletion of the genomic region encompassing exon(s) 2 of the ASL gene, which includes the initiator codon. This deletion extends beyond the assayed region for this gene and therefore may encompass additional genes. It is expected to result in an absent or disrupted protein product. Loss-of-function variants in ASL are known to be pathogenic (PMID: 2263616, 24166829). A similar copy number variant has been observed in individual(s) with clinical features of argininosuccinate lyase deficiency (PMID: 1705937). Algorithms developed to predict the effect of variants on protein structure and function are not available or were not evaluated for this variant. Experimental studies have shown that a similar copy number variant affects ASL function (PMID: 24136197). For these reasons, this variant has been classified as Pathogenic.

Literature cited by the submitters: PubMed 2263616; PubMed 24166829; PubMed 1705937; PubMed 24136197.

NC_000007.13:g.(?_65541069)_(65541100_?)del

Gene: ASL (argininosuccinate lyase; plus strand). Cytogenetic location: 7q11.21.
Variant type: Deletion.
Identifiers: ClinVar variation 3245718 (VCV003245718.1).